The following is an entry in ClinVar:

NM_006907.4(PYCR1):c.274GTG[1] (p.Val93del)

Gene: PYCR1 (pyrroline-5-carboxylate reductase 1; minus strand). Cytogenetic location: 17q25.3.
Variant type: Microsatellite.
Coding change: c.274GTG[1] on transcript NM_006907.4 (MANE Select); one copy of the 3-base unit GTG starting at c.274; the reference has two copies in a row; one copy, 3 bases deleted; also written c.277_279del.
Protein change: p.Val93del; deletes valine 93.
Molecular consequence: inframe deletion.
Genome position (GRCh38, 1-based): chr17:81,935,376-81,935,378, CAC deleted on the plus strand (GTG on the coding strand, the reverse complement: PYCR1 is on the minus strand); deleting any 3 consecutive bases within chr17:81,935,376-81,935,381 gives the same sequence; the position shown is the placement nearest the transcript's 3' end. VCF-style (leftmost placement, unchanged base first): chr17-81935375-ACAC-A. GRCh37 (hg19) VCF-style: chr17-79893251-ACAC-A.
Other names: c.274GTG[1], p.Val93del (NM_001282279.2, NM_001282280.2, NM_001330523.2 and 1 more transcripts); c.355GTG[1], p.Val120del (NM_001282281.2); c.277_279del (NM_006907.3); short protein forms V120del, V93del.
Identifiers: ClinVar variation 2006715 (VCV002006715.5), dbSNP rs2510120138, ClinGen allele CA2580610750.

ClinVar aggregate classification (germline): Uncertain significance (1 of 4 stars; one submission).

Conditions:
Autosomal recessive cutis laxa type 2B (ARCL2B). Also called: CUTIS LAXA, AUTOSOMAL RECESSIVE, TYPE IIB; CUTIS LAXA WITH PROGEROID FEATURES. Identifiers: Orphanet 357064, MedGen C2751987, MONDO:0013051, OMIM 612940. Disease mechanism: loss of function.

Submission:

Labcorp Genetics (formerly Invitae), Labcorp
Classification: Uncertain significance. Last evaluated: 2022-06-16. Review status: criteria provided, single submitter. Criteria: Invitae Variant Classification Sherloc (09022015). Collection method: clinical testing. Allele origin: germline.
Comment: This variant is not present in population databases (gnomAD no frequency). In summary, the available evidence is currently insufficient to determine the role of this variant in disease. Therefore, it has been classified as a Variant of Uncertain Significance. Experimental studies and prediction algorithms are not available or were not evaluated, and the functional significance of this variant is currently unknown. This variant has not been reported in the literature in individuals affected with PYCR1-related conditions. This variant, c.277_279del, results in the deletion of 1 amino acid(s) of the PYCR1 protein (p.Val93del), but otherwise preserves the integrity of the reading frame.